The following is an entry in ClinVar:

ClinVar aggregate classification (germline): Uncertain significance (1 of 4 stars; one submission).

Conditions:
Idiopathic generalized epilepsy. Also called: Generalised epilepsy; EIG. Identifiers: MedGen C0270850, MONDO:0005579, OMIM 600669.
Hyperaldosteronism, familial, type IV (HALD4). Also called: FH IV; ALDOSTERONISM, PRIMARY, AND HYPERTENSION. Identifiers: Orphanet 642671, MedGen C4310756, MONDO:0014875, OMIM 617027.

Allele frequency attached by ClinVar (database versions not stated): gnomAD exomes below 0.00001.
gnomAD v4.1: 5 of 1,591,634 alleles (0.00031%); highest among the groups gnomAD compares: Non-Finnish European, 0.00034%; no homozygotes.

Submission:

Labcorp Genetics (formerly Invitae), Labcorp
Classification: Uncertain significance for Idiopathic generalized epilepsy; Hyperaldosteronism, familial, type IV. Last evaluated: 2025-01-13. Review status: criteria provided, single submitter. Criteria: Invitae Variant Classification Sherloc (09022015). Collection method: clinical testing. Allele origin: germline.
Comment: This sequence change replaces phenylalanine, which is neutral and non-polar, with leucine, which is neutral and non-polar, at codon 1303 of the CACNA1H protein (p.Phe1303Leu). This variant is not present in population databases (gnomAD no frequency). This variant has not been reported in the literature in individuals affected with CACNA1H-related conditions. ClinVar contains an entry for this variant (Variation ID: 1508363). Invitae Evidence Modeling of protein sequence and biophysical properties (such as structural, functional, and spatial information, amino acid conservation, physicochemical variation, residue mobility, and thermodynamic stability) indicates that this missense variant is expected to disrupt CACNA1H protein function with a positive predictive value of 80%. In summary, the available evidence is currently insufficient to determine the role of this variant in disease. Therefore, it has been classified as a Variant of Uncertain Significance.

NM_021098.3(CACNA1H):c.3907T>C (p.Phe1303Leu)

Gene: CACNA1H (calcium voltage-gated channel subunit alpha1 H; plus strand). Cytogenetic location: 16p13.3.
Variant type: single nucleotide variant.
Coding change: c.3907T>C on transcript NM_021098.3 (MANE Select); coding-DNA position 3907, T replaced by C.
Protein change: p.Phe1303Leu; replaces phenylalanine 1303 with leucine.
Molecular consequence: missense variant.
Genome position (GRCh38, 1-based): chr16:1,210,431, T>C. VCF-style: chr16-1210431-T-C. GRCh37 (hg19) VCF-style: chr16-1260431-T-C.
Other names: c.3907T>C, p.Phe1303Leu (NM_001005407.2); short protein forms F1303L.
Identifiers: ClinVar variation 1508363 (VCV001508363.8), dbSNP rs2141339082, ClinGen allele CA394176572.